The following is an entry in ClinVar:

ClinVar aggregate classification (germline): Uncertain significance. Review status: criteria provided, multiple submitters, no conflicts (2 of 4 stars). 2 submissions from 2 submitters: Uncertain significance (2). Last evaluated 2021-09-24.

Conditions:
Autosomal recessive polycystic kidney disease (ARPKD). Also called: AR polycystic kidney disease. Identifiers: Orphanet 731, Orphanet 8378, MedGen C0085548, MeSH D017044, MONDO:0009889.

Allele frequency attached by ClinVar (database versions not stated): gnomAD exomes below 0.00001; TOPMed below 0.00001; ExAC 0.00001.
gnomAD v4.1: 2 of 1,611,560 alleles (0.00012%); highest among the groups gnomAD compares: Admixed American, 0.0033%; no homozygotes.

Submissions (2):

Labcorp Genetics (formerly Invitae), Labcorp
Classification: Uncertain significance for Autosomal recessive polycystic kidney disease. Last evaluated: 2021-09-24. Review status: criteria provided, single submitter. Criteria: Invitae Variant Classification Sherloc (09022015). Collection method: clinical testing. Allele origin: germline.
Comment: This sequence change replaces valine with alanine at codon 1794 of the PKHD1 protein (p.Val1794Ala). The valine residue is moderately conserved and there is a small physicochemical difference between valine and alanine. This variant is present in population databases (rs780643984, ExAC 0.009%). This variant has not been reported in the literature in individuals affected with PKHD1-related conditions. ClinVar contains an entry for this variant (Variation ID: 596265). Algorithms developed to predict the effect of missense changes on protein structure and function output the following: SIFT: "Tolerated"; PolyPhen-2: "Benign"; Align-GVGD: "Class C0". The alanine amino acid residue is found in multiple mammalian species, which suggests that this missense change does not adversely affect protein function. In summary, the available evidence is currently insufficient to determine the role of this variant in disease. Therefore, it has been classified as a Variant of Uncertain Significance.

Eurofins Ntd Llc (ga)
Classification: Uncertain significance. Last evaluated: 2018-02-22. Review status: criteria provided, single submitter. Criteria: EGL ClinVar v180209 classification definitions. Collection method: clinical testing. Allele origin: germline. Observed: 1 variant allele, 1 heterozygote.

NM_138694.4(PKHD1):c.5381T>C (p.Val1794Ala)

Gene: PKHD1 (PKHD1 ciliary IPT domain containing fibrocystin/polyductin; minus strand). Cytogenetic location: 6p12.2.
Variant type: single nucleotide variant.
Coding change: c.5381T>C on transcript NM_138694.4 (MANE Select); coding-DNA position 5381, T replaced by C.
Protein change: p.Val1794Ala; replaces valine 1794 with alanine.
Molecular consequence: missense variant.
Genome position (GRCh38, 1-based): chr6:52,017,629, A>G on the plus strand (T>C on the coding strand, the complement: PKHD1 is on the minus strand). VCF-style: chr6-52017629-A-G. GRCh37 (hg19) VCF-style: chr6-51882427-A-G.
Other names: c.5381T>C, p.Val1794Ala (NM_170724.3); short protein forms V1794A.
Identifiers: ClinVar variation 596265 (VCV000596265.7), dbSNP rs780643984, ClinGen allele CA3852522.